The following is an entry in ClinVar:

NM_006269.2(RP1):c.5453A>G (p.Tyr1818Cys)

Genes: RP1 (RP1 axonemal microtubule associated; plus strand), LOC126860392 (CDK7 strongly-dependent group 2 enhancer GRCh37_chr8:55541319-55542518; plus strand). Cytogenetic location: 8q12.1.
Variant type: single nucleotide variant.
Coding change: c.5453A>G on transcript NM_006269.2 (MANE Select); coding-DNA position 5453, A replaced by G.
Protein change: p.Tyr1818Cys; replaces tyrosine 1818 with cysteine.
Molecular consequence: missense variant. On other transcripts: intron variant (1).
Genome position (GRCh38, 1-based): chr8:54,629,335, A>G. VCF-style: chr8-54629335-A-G. GRCh37 (hg19) VCF-style: chr8-55541895-A-G.
Other names: c.787+7047A>G (NM_001375654.1); short protein forms Y1818C.
Identifiers: ClinVar variation 1960246 (VCV001960246.5), dbSNP rs2536589587, ClinGen allele CA370986420.

ClinVar aggregate classification (germline): Uncertain significance (1 of 4 stars; one submission).

gnomAD v4.1: 1 of 1,614,068 alleles (0.000062%); no homozygotes.

Submission:

Labcorp Genetics (formerly Invitae), Labcorp
Classification: Uncertain significance. Last evaluated: 2022-09-09. Review status: criteria provided, single submitter. Criteria: Invitae Variant Classification Sherloc (09022015). Collection method: clinical testing. Allele origin: germline.
Comment: In summary, the available evidence is currently insufficient to determine the role of this variant in disease. Therefore, it has been classified as a Variant of Uncertain Significance. Algorithms developed to predict the effect of missense changes on protein structure and function are either unavailable or do not agree on the potential impact of this missense change (SIFT: "Deleterious"; PolyPhen-2: "Probably Damaging"; Align-GVGD: "Class C0"). This variant has not been reported in the literature in individuals affected with RP1-related conditions. This variant is not present in population databases (gnomAD no frequency). This sequence change replaces tyrosine, which is neutral and polar, with cysteine, which is neutral and slightly polar, at codon 1818 of the RP1 protein (p.Tyr1818Cys).